The following is an entry in ClinVar:

ClinVar aggregate classification (germline): Uncertain significance (1 of 4 stars; one submission).

Conditions:
Duchenne muscular dystrophy (DMD). Also called: MUSCULAR DYSTROPHY, PSEUDOHYPERTROPHIC PROGRESSIVE, DUCHENNE TYPE; Duchenne Muscular Dystrophy (DMD). Identifiers: Orphanet 98896, MedGen C0013264, MONDO:0010679, OMIM 310200.

Submission:

Labcorp Genetics (formerly Invitae), Labcorp
Classification: Uncertain significance for Duchenne muscular dystrophy. Last evaluated: 2022-08-23. Review status: criteria provided, single submitter. Criteria: Invitae Variant Classification Sherloc (09022015). Collection method: clinical testing. Allele origin: germline.
Comment: This variant is not present in population databases (gnomAD no frequency). This sequence change replaces aspartic acid, which is acidic and polar, with glycine, which is neutral and non-polar, at codon 2826 of the DMD protein (p.Asp2826Gly). This variant has not been reported in the literature in individuals affected with DMD-related conditions. In summary, the available evidence is currently insufficient to determine the role of this variant in disease. Therefore, it has been classified as a Variant of Uncertain Significance. Algorithms developed to predict the effect of missense changes on protein structure and function are either unavailable or do not agree on the potential impact of this missense change (SIFT: "Tolerated"; PolyPhen-2: "Possibly Damaging"; Align-GVGD: "Class C0").

NM_004006.3(DMD):c.8477A>G (p.Asp2826Gly)

Gene: DMD (dystrophin; minus strand). Cytogenetic location: Xp21.2.
Variant type: single nucleotide variant.
Coding change: c.8477A>G on transcript NM_004006.3 (MANE Select); coding-DNA position 8477, A replaced by G.
Protein change: p.Asp2826Gly; replaces aspartic acid 2826 with glycine.
Molecular consequence: missense variant.
Genome position (GRCh38, 1-based): chrX:31,496,858, T>C on the plus strand (A>G on the coding strand, the complement: DMD is on the minus strand). VCF-style: chrX-31496858-T-C. GRCh37 (hg19) VCF-style: chrX-31514975-T-C.
Other names: c.8453A>G, p.Asp2818Gly (NM_000109.4); c.8465A>G, p.Asp2822Gly (NM_004009.3); c.8108A>G, p.Asp2703Gly (NM_004010.3); c.4454A>G, p.Asp1485Gly (NM_004011.4); c.4445A>G, p.Asp1482Gly (NM_004012.4); c.1097A>G, p.Asp366Gly (NM_004013.3, NM_004020.4, NM_004021.3 and 2 more transcripts); c.290A>G, p.Asp97Gly (NM_004014.3); short protein forms D1482G, D1485G, D2703G, D2818G, D2822G, D2826G, D366G, D97G.
Identifiers: ClinVar variation 1717869 (VCV001717869.6), dbSNP rs2525733464, ClinGen allele CA412655506.
Genomic context (GRCh38, chrX:31,496,858, plus strand): 5'-TCGTTCTGCTTCTGAACTGCTGGAAAGTCGCCTCCAATAGGTGCCTGCCGGCTTAATTCA[T>C]CATCTTTCAGCTGTAGCCACACCAGAAGTTCCTGCAGAGAAAGGTGCAGACGCTTCCACT-3'
Protein context (NP_003997.2, residues 2816-2836): ELLVWLQLKD[Asp2826Gly]ELSRQAPIGG